The following is an entry in ClinVar:

ClinVar aggregate classification (germline): Uncertain significance (1 of 4 stars; one submission).

Conditions:
Joubert syndrome. Also called: JOUBERT-BOLTSHAUSER SYNDROME; Familial aplasia of the vermis. Identifiers: Orphanet 475, MedGen C5979921, MONDO:0018772.
Meckel-Gruber syndrome. Also called: Dysencephalia splachnocystica; DYSENCEPHALIA SPLANCHNOCYSTICA; GRUBER SYNDROME. Identifiers: Orphanet 564, MedGen C0265215, MONDO:0018921.

Submission:

Labcorp Genetics (formerly Invitae), Labcorp
Classification: Uncertain significance for Joubert syndrome; Meckel-Gruber syndrome. Last evaluated: 2022-03-03. Review status: criteria provided, single submitter. Criteria: Invitae Variant Classification Sherloc (09022015). Collection method: clinical testing. Allele origin: germline.
Comment: ClinVar contains an entry for this variant (Variation ID: 1046723). In summary, the available evidence is currently insufficient to determine the role of this variant in disease. Therefore, it has been classified as a Variant of Uncertain Significance. Advanced modeling of protein sequence and biophysical properties (such as structural, functional, and spatial information, amino acid conservation, physicochemical variation, residue mobility, and thermodynamic stability) performed at Invitae indicates that this missense variant is not expected to disrupt CC2D2A protein function. This variant has not been reported in the literature in individuals affected with CC2D2A-related conditions. This variant is not present in population databases (gnomAD no frequency). This sequence change replaces methionine, which is neutral and non-polar, with isoleucine, which is neutral and non-polar, at codon 104 of the CC2D2A protein (p.Met104Ile).

NM_001378615.1(CC2D2A):c.312G>T (p.Met104Ile)

Genes: CC2D2A (coiled-coil and C2 domain containing 2A; plus strand), FBXL5 (F-box and leucine rich repeat protein 5; minus strand). Cytogenetic location: 4p15.32.
Variant type: single nucleotide variant.
Coding change: c.312G>T on transcript NM_001378615.1 (MANE Select); coding-DNA position 312, G replaced by T.
Protein change: p.Met104Ile; replaces methionine 104 with isoleucine.
Molecular consequence: missense variant.
Genome position (GRCh38, 1-based): chr4:15,502,493, G>T. VCF-style: chr4-15502493-G-T. GRCh37 (hg19) VCF-style: chr4-15504116-G-T.
Other names: c.312G>T, p.Met104Ile (NM_001080522.2); c.165G>T, p.Met55Ile (NM_001378617.1); short protein forms M104I, M55I.
Identifiers: ClinVar variation 1046723 (VCV001046723.9), dbSNP rs753884581, ClinGen allele CA356408172.